The following is an entry in ClinVar:

ClinVar aggregate classification (germline): Pathogenic (1 of 4 stars; one submission).

Conditions:
Cohen syndrome (COH1). Also called: PEPPER SYNDROME; Cutis verticis gyrata, retinitis pigmentosa, and sensorineural deafness. Identifiers: Orphanet 193, MedGen C0265223, MONDO:0008999, OMIM 216550.

gnomAD v4.1: 3 of 1,614,124 alleles (0.00019%); highest among the groups gnomAD compares: Non-Finnish European, 0.00025%; no homozygotes.

Submission:

Myriad Genetics, Inc.
Classification: Pathogenic for Cohen syndrome. Last evaluated: 2023-09-21. Review status: criteria provided, single submitter. Criteria: Myriad Autosomal Dominant, Autosomal Recessive and X-Linked Classification Criteria (2023). Collection method: clinical testing. Allele origin: unknown.
Comment: NM_017890.4(VPS13B):c.2637T>A(C879*) is expected to be pathogenic in the context of Cohen syndrome. This variant is predicted to lead to an abnormal or absent protein product due to the creation of a premature termination codon in VPS13B, a gene where loss-of-function variants are known to be pathogenic. Please note: this variant was assessed in the context of healthy population screening.

NM_152564.5(VPS13B):c.2637T>A (p.Cys879Ter)

Gene: VPS13B (vacuolar protein sorting 13 homolog B; plus strand). Cytogenetic location: 8q22.2.
Variant type: single nucleotide variant.
Coding change: c.2637T>A on transcript NM_152564.5 (MANE Select); coding-DNA position 2637, T replaced by A.
Protein change: p.Cys879Ter; replaces cysteine 879 with a stop codon.
Molecular consequence: nonsense.
Genome position (GRCh38, 1-based): chr8:99,274,319, T>A. VCF-style: chr8-99274319-T-A. GRCh37 (hg19) VCF-style: chr8-100286547-T-A.
Other names: c.2637T>A, p.Cys879Ter (NM_017890.5); short protein forms C879*.
Identifiers: ClinVar variation 5011716 (VCV005011716.1).